The following is an entry in ClinVar:

ClinVar aggregate classification (germline): Pathogenic (1 of 4 stars; one submission).

Conditions:
Charcot-Marie-Tooth disease type 4. Also called: Charcot-Marie-Tooth, Type 4; Charcot-Marie-Tooth disease, type IV. Identifiers: Orphanet 64749, MedGen C4082197, MONDO:0018995.

Submission:

Labcorp Genetics (formerly Invitae), Labcorp
Classification: Pathogenic for Charcot-Marie-Tooth disease type 4. Last evaluated: 2024-09-15. Review status: criteria provided, single submitter. Criteria: Invitae Variant Classification Sherloc (09022015). Collection method: clinical testing. Allele origin: germline.
Comment: This sequence change creates a premature translational stop signal (p.Leu323Phefs*30) in the SBF2 gene. It is expected to result in an absent or disrupted protein product. Loss-of-function variants in SBF2 are known to be pathogenic (PMID: 12687498, 25873783). This variant is not present in population databases (gnomAD no frequency). This variant has not been reported in the literature in individuals affected with SBF2-related conditions. For these reasons, this variant has been classified as Pathogenic.

Literature cited by the submitters: PubMed 12687498; PubMed 25873783.

NM_030962.4(SBF2):c.967_968del (p.Leu323fs)

Gene: SBF2 (SET binding factor 2; minus strand). Cytogenetic location: 11p15.4.
Variant type: Microsatellite.
Coding change: c.967_968del on transcript NM_030962.4 (MANE Select); coding-DNA positions 967 to 968, 2 bases deleted (CT; older notation c.967_968delCT).
Protein change: p.Leu323fs; shifts the reading frame from leucine 323.
Molecular consequence: frameshift variant.
Genome position (GRCh38, 1-based): chr11:9,998,273-9,998,274, AG deleted on the plus strand (CT on the coding strand, the reverse complement: SBF2 is on the minus strand); deleting any 2 consecutive bases within chr11:9,998,273-9,998,276 gives the same sequence; the c. name uses the placement nearest the transcript's 3' end. VCF-style (leftmost placement, unchanged base first): chr11-9998272-AAG-A. GRCh37 (hg19) VCF-style: chr11-10019819-AAG-A.
Other names: c.967_968del, p.Leu323fs (NM_001386339.1, NM_001386342.1); c.1003_1004del, p.Leu335fs (NM_001424318.1, NM_001425069.1, NM_001425070.1); short protein forms L323fs, L335fs.
Identifiers: ClinVar variation 3717231 (VCV003717231.2).